The following is an entry in ClinVar:

NM_001267550.2(TTN):c.82486G>A (p.Asp27496Asn)

Genes: TTN-AS1 (TTN antisense RNA 1; plus strand), TTN (titin; minus strand). Cytogenetic location: 2q31.2.
Variant type: single nucleotide variant.
Coding change: c.82486G>A on transcript NM_001267550.2 (MANE Select); coding-DNA position 82486, G replaced by A.
Protein change: p.Asp27496Asn; replaces aspartic acid 27496 with asparagine.
Molecular consequence: missense variant.
Genome position (GRCh38, 1-based): chr2:178,563,646, C>T on the plus strand (G>A on the coding strand, the complement: TTN is on the minus strand). VCF-style: chr2-178563646-C-T. GRCh37 (hg19) VCF-style: chr2-179428373-C-T.
Other names: c.77563G>A, p.Asp25855Asn (NM_001256850.1); c.55291G>A, p.Asp18431Asn (NM_003319.4); c.74782G>A, p.Asp24928Asn (NM_133378.4); c.55666G>A, p.Asp18556Asn (NM_133432.3); c.55867G>A, p.Asp18623Asn (NM_133437.4); short protein forms D25855N, D27496N, D24928N, D18556N, D18623N, D18431N.
Identifiers: ClinVar variation 516347 (VCV000516347.28), dbSNP rs554231442, ClinGen allele CA1989062.
Genomic context (GRCh38, chr2:178,563,646, plus strand): 5'-ATCTAACGCCTTCCTTATCTCGTTTTTCAAGAATGTAGCCCTCAATTTCGGTACCTCCGT[C>T]GTCTACTGGGCGTGCCCATGTTACTACCATAGAATCTTTGGTGATTGCTGAGACTTCAGG-3'
Protein context (NP_001254479.2, residues 27486-27506): MVVTWARPVD[Asp27496Asn]GGTEIEGYIL

ClinVar aggregate classification (germline): Conflicting classifications of pathogenicity. Review status: criteria provided, conflicting classifications (1 of 4 stars). 15 submissions from 11 submitters: Uncertain significance (3); Benign (3); Likely benign (6). 3 of the submissions do not count toward it. Last evaluated 2026-03-27.

Conditions:
Myopathy, myofibrillar, 9, with early respiratory failure (MFM9). Also called: Hereditary myopathy with early respiratory failure; EDSTROM MYOPATHY; MYOPATHY, PROXIMAL, WITH EARLY RESPIRATORY MUSCLE INVOLVEMENT; Myopathy, distal, with early respiratory failure, autosomal dominant. Identifiers: Orphanet 178464, Orphanet 34521, MedGen C1863599, MONDO:0011362, OMIM 603689.
Tibial muscular dystrophy (TMD). Also called: Udd Distal Myopathy – Tibial Muscular Dystrophy; UDD MYOPATHY; Tibial muscular dystrophy, tardive. Identifiers: Orphanet 609, MedGen C1838244, MONDO:0010870, OMIM 600334.
Autosomal recessive limb-girdle muscular dystrophy type 2J (LGMDR10). Also called: Limb-girdle muscular dystrophy, type 2J; MUSCULAR DYSTROPHY, LIMB-GIRDLE, AUTOSOMAL RECESSIVE 10. Identifiers: Orphanet 140922, MedGen C1837342, MONDO:0012127, OMIM 608807.
Dilated cardiomyopathy 1G (CMD1G). Identifiers: Orphanet 154, MedGen C1858763, MONDO:0011400, OMIM 604145.
TTN-related disorder. Also called: TTN-related condition; TTN-related disease; TTN-related disorders.
Cardiovascular phenotype. Identifiers: MedGen CN230736.
Early-onset myopathy with fatal cardiomyopathy (CMYO5). Also called: Salih Myopathy; CONGENITAL MYOPATHY 5 WITH CARDIOMYOPATHY. Identifiers: Orphanet 289377, MedGen C2673677, MONDO:0012714, OMIM 611705. Disease mechanism: loss of function.

Allele frequency attached by ClinVar (database versions not stated): gnomAD 0.00005 and 0.00025; TOPMed 0.00005; gnomAD exomes 0.00029 and 0.00053; ExAC 0.00059; 1000 Genomes Project 0.00100; 1000 Genomes Project 30x 0.00109.
gnomAD v4.1: 460 of 1,613,756 alleles (0.029%); highest among the groups gnomAD compares: South Asian, 0.4%; 5 homozygotes.

Submissions (15):

Molecular Diagnostic Laboratory for Inherited Cardiovascular Disease, Montreal Heart Institute
Classification: Likely benign. Last evaluated: 2026-03-27. Review status: criteria provided, single submitter. Criteria: ACMG Guidelines, 2015. Collection method: clinical testing. Allele origin: germline. Affected: no.
Comment: BS1;BP1

Labcorp Genetics (formerly Invitae), Labcorp
Classification: Likely benign for Dilated cardiomyopathy 1G; Autosomal recessive limb-girdle muscular dystrophy type 2J. Last evaluated: 2025-12-23. Review status: criteria provided, single submitter. Criteria: Invitae Variant Classification Sherloc (09022015). Collection method: clinical testing. Allele origin: germline.

PreventionGenetics, part of Exact Sciences
Classification: Likely benign for TTN-related condition. Last evaluated: 2025-05-09. Review status: criteria provided, single submitter. Criteria: ACMG Guidelines, 2015. Collection method: clinical testing. Allele origin: germline.
Comment: This variant is classified as likely benign based on ACMG/AMP sequence variant interpretation guidelines (Richards et al. 2015 PMID: 25741868, with internal and published modifications).

Blueprint Genetics
Classification: Likely benign. Last evaluated: 2024-04-24. Review status: criteria provided, single submitter. Criteria: ACMG Guidelines, 2015. Collection method: clinical testing. Allele origin: germline.

Ambry Genetics
Classification: Benign for Cardiovascular phenotype. Last evaluated: 2020-07-28. Review status: criteria provided, single submitter. Criteria: Ambry Variant Classification Scheme 2023. Collection method: clinical testing. Allele origin: germline.

GeneDx
Classification: Likely benign. Last evaluated: 2020-04-29. Review status: criteria provided, single submitter. Criteria: GeneDx Variant Classification Process June 2021. Collection method: clinical testing. Allele origin: germline. Affected: yes.

Illumina Laboratory Services, Illumina
Classification: Uncertain significance for Autosomal recessive limb-girdle muscular dystrophy type 2J. Last evaluated: 2018-01-13. Review status: criteria provided, single submitter. Criteria: ICSL Variant Classification Criteria 13 December 2019. Collection method: clinical testing. Allele origin: germline.

Illumina Laboratory Services, Illumina
Classification: Uncertain significance for Early-onset myopathy with fatal cardiomyopathy. Last evaluated: 2018-01-13. Review status: criteria provided, single submitter. Criteria: ICSL Variant Classification Criteria 13 December 2019. Collection method: clinical testing. Allele origin: germline.

Illumina Laboratory Services, Illumina
Classification: Benign for Myopathy, myofibrillar, 9, with early respiratory failure. Last evaluated: 2018-01-13. Review status: criteria provided, single submitter. Criteria: ICSL Variant Classification Criteria 13 December 2019. Collection method: clinical testing. Allele origin: germline.
Comment: This variant was observed in the ICSL laboratory as part of a predisposition screen in an ostensibly healthy population. It had not been previously curated by ICSL or reported in the Human Gene Mutation Database (HGMD: prior to June 1st, 2018), and was therefore a candidate for classification through an automated scoring system. Utilizing variant allele frequency, disease prevalence and penetrance estimates, and inheritance mode, an automated score was calculated to assess if this variant is too frequent to cause the disease. Based on the score and internal cut-off values, a variant classified as benign is not then subjected to further curation. The score for this variant resulted in a classification of benign for this disease.

Illumina Laboratory Services, Illumina
Classification: Uncertain significance for Dilated cardiomyopathy 1G. Last evaluated: 2018-01-13. Review status: criteria provided, single submitter. Criteria: ICSL Variant Classification Criteria 13 December 2019. Collection method: clinical testing. Allele origin: germline.

Illumina Laboratory Services, Illumina
Classification: Benign for Tibial muscular dystrophy. Last evaluated: 2018-01-13. Review status: criteria provided, single submitter. Criteria: ICSL Variant Classification Criteria 13 December 2019. Collection method: clinical testing. Allele origin: germline.
Comment: the same text as in the submission from Illumina Laboratory Services, Illumina above.

Eurofins Ntd Llc (ga)
Classification: Likely benign. Last evaluated: 2017-12-07. Review status: criteria provided, single submitter. Criteria: EGL Classification Definitions 2015. Collection method: clinical testing. Allele origin: germline. Observed: 3 variant alleles, 3 heterozygotes.

Clinical Genetics, Academic Medical Center
Classification: Benign. Review status: no assertion criteria provided. Collection method: clinical testing. Allele origin: germline. Affected: yes. Study: VKGL Data-share Consensus. Not counted in ClinVar's aggregate classification.

Genome Diagnostics Laboratory, University Medical Center Utrecht
Classification: Likely benign. Review status: no assertion criteria provided. Collection method: clinical testing. Allele origin: germline. Affected: yes. Study: VKGL Data-share Consensus. Not counted in ClinVar's aggregate classification.

Joint Genome Diagnostic Labs from Nijmegen and Maastricht, Radboudumc and MUMC+
Classification: Benign. Review status: no assertion criteria provided. Collection method: clinical testing. Allele origin: germline. Affected: yes. Study: VKGL Data-share Consensus. Not counted in ClinVar's aggregate classification.